The following is an entry in ClinVar:

ClinVar aggregate classification (germline): Likely pathogenic (1 of 4 stars; one submission).

Conditions:
Cystic fibrosis (CF). Also called: MUCOVISCIDOSIS. Identifiers: Orphanet 586, MedGen C0010674, MONDO:0009061, OMIM 219700. Disease mechanism: loss of function.

Submission:

Women's Health and Genetics/Laboratory Corporation of America, LabCorp
Classification: Likely pathogenic for Cystic fibrosis. Last evaluated: 2022-04-14. Review status: criteria provided, single submitter. Criteria: LabCorp Variant Classification Summary - May 2015. Collection method: clinical testing. Allele origin: germline.
Comment: Variant summary: CFTR c.662delC (p.Ala221GlyfsX10) results in a premature termination codon, predicted to cause a truncation of the encoded protein or absence of the protein due to nonsense mediated decay, which are commonly known mechanisms for disease. Truncations downstream of this position have been classified as pathogenic by our laboratory. The variant was absent in 251414 control chromosomes (gnomAD). To our knowledge, no occurrence of c.662delC in individuals affected with Cystic Fibrosis and no experimental evidence demonstrating its impact on protein function have been reported. No clinical diagnostic laboratories have submitted clinical-significance assessments for this variant to ClinVar after 2014. Based on the evidence outlined above, the variant was classified as likely pathogenic.

NM_000492.4(CFTR):c.662del (p.Ala221fs)

Gene: CFTR (CF transmembrane conductance regulator; plus strand). Cytogenetic location: 7q31.2.
Variant type: Deletion.
Coding change: c.662del on transcript NM_000492.4 (MANE Select); coding-DNA position 662, one base deleted (C; older notation c.662delC).
Protein change: p.Ala221fs; shifts the reading frame from alanine 221.
Molecular consequence: frameshift variant.
Genome position (GRCh38, 1-based): chr7:117,535,330, C deleted. VCF-style (leftmost placement, unchanged base first): chr7-117535329-GC-G. GRCh37 (hg19) VCF-style: chr7-117175383-GC-G.
Other names: short protein forms A221fs.
Identifiers: ClinVar variation 1683253 (VCV001683253.1), dbSNP rs2116676645, ClinGen allele CA2573141540.